The following is an entry in ClinVar:

NM_000179.3(MSH6):c.3586G>C (p.Glu1196Gln)

Gene: MSH6 (mutS homolog 6; plus strand). Cytogenetic location: 2p16.3.
Variant type: single nucleotide variant.
Coding change: c.3586G>C on transcript NM_000179.3 (MANE Select); coding-DNA position 3586, G replaced by C.
Protein change: p.Glu1196Gln; replaces glutamic acid 1196 with glutamine.
Molecular consequence: missense variant.
Genome position (GRCh38, 1-based): chr2:47,805,647, G>C. VCF-style: chr2-47805647-G-C. GRCh37 (hg19) VCF-style: chr2-48032786-G-C.
Other names: c.3196G>C, p.Glu1066Gln (NM_001281492.2); c.2680G>C, p.Glu894Gln (NM_001281493.2, NM_001281494.2); short protein forms E1196Q, E1066Q, E894Q.
Identifiers: ClinVar variation 410511 (VCV000410511.29), dbSNP rs75095286, ClinGen allele CA071434.

ClinVar aggregate classification (germline): Conflicting classifications of pathogenicity. Review status: criteria provided, conflicting classifications (1 of 4 stars). 10 submissions from 10 submitters: Uncertain significance (9); Likely benign (1). Last evaluated 2025-09-01.

Conditions:
Lynch syndrome. Identifiers: Orphanet 144, MedGen C4552100, MONDO:0005835. Disease mechanism: loss of function.
Endometrial carcinoma. Also called: Endometrial carcinoma, somatic. Identifiers: MedGen C0476089, MONDO:0002447, OMIM 608089, HP:0012114.
Mismatch repair cancer syndrome 3. Identifiers: MedGen C5436807, MONDO:0030841, OMIM 619097.
Lynch syndrome 5 (LYNCH5). Also called: Hereditary non-polyposis colorectal cancer, type 5; Colorectal cancer, hereditary nonpolyposis, type 5. Identifiers: Orphanet 144, MedGen C1833477, MONDO:0013710, OMIM 614350. Disease mechanism: loss of function.
Hereditary nonpolyposis colorectal neoplasms. Identifiers: MedGen C0009405, MeSH D003123.
Hereditary cancer-predisposing syndrome. Also called: Tumor predisposition; Hereditary Cancer Syndrome; Hereditary neoplastic syndrome; Neoplastic Syndromes, Hereditary. Identifiers: Orphanet 140162, MedGen C0027672, MeSH D009386, MONDO:0015356.

Allele frequency attached by ClinVar (database versions not stated): gnomAD 0.00001; gnomAD exomes 0.00001; ExAC 0.00002; TOPMed 0.00003.
gnomAD v4.1: 3 of 1,611,682 alleles (0.00019%); highest among the groups gnomAD compares: African/African-American, 0.004%; no homozygotes.

Submissions (10):

Labcorp Genetics (formerly Invitae), Labcorp
Classification: Likely benign for Hereditary nonpolyposis colorectal neoplasms. Last evaluated: 2025-09-01. Review status: criteria provided, single submitter. Criteria: Invitae Variant Classification Sherloc (09022015). Collection method: clinical testing. Allele origin: germline.

GeneDx
Classification: Uncertain significance. Last evaluated: 2025-04-29. Review status: criteria provided, single submitter. Criteria: GeneDx Variant Classification Process June 2021. Collection method: clinical testing. Allele origin: germline. Affected: yes.
Comment: Not observed at significant frequency in large population cohorts (gnomAD); In silico analysis supports that this missense variant has a deleterious effect on protein structure/function; Has not been previously published as pathogenic or benign to our knowledge; This variant is associated with the following publications: (PMID: 17531815, 21120944)

Ambry Genetics
Classification: Uncertain significance for Hereditary cancer-predisposing syndrome. Last evaluated: 2025-04-17. Review status: criteria provided, single submitter. Criteria: Ambry Variant Classification Scheme 2023. Collection method: clinical testing. Allele origin: germline.
Comment: The p.E1196Q variant (also known as c.3586G>C), located in coding exon 7 of the MSH6 gene, results from a G to C substitution at nucleotide position 3586. The glutamic acid at codon 1196 is replaced by glutamine, an amino acid with highly similar properties. This amino acid position is highly conserved in available vertebrate species. In addition, this alteration is predicted to be deleterious by in silico analysis. Since supporting evidence is limited at this time, the clinical significance of this alteration remains unclear.

Quest Diagnostics Nichols Institute San Juan Capistrano
Classification: Uncertain significance. Last evaluated: 2024-10-10. Review status: criteria provided, single submitter. Criteria: Quest Diagnostics criteria. Collection method: clinical testing. Allele origin: unknown.
Comment: The MSH6 c.3586G>C (p.Glu1196Gln) variant has not been reported in individuals with MSH6-related conditions in the published literature. The frequency of this variant in the general population, 0.00012 (3/24930 chromosomes (Genome Aggregation Database)), is uninformative in the assessment of its pathogenicity. Analysis of this variant using bioinformatics tools for the prediction of the effect of amino acid changes on protein structure and function yielded predictions that this variant is damaging. Based on the available information, we are unable to determine the clinical significance of this variant.

Baylor Genetics
Classification: Uncertain significance for Endometrial carcinoma. Last evaluated: 2023-09-12. Review status: criteria provided, single submitter. Criteria: ACMG Guidelines, 2015. Collection method: clinical testing. Allele origin: unknown.

All of Us Research Program, National Institutes of Health
Classification: Uncertain significance for Lynch syndrome. Last evaluated: 2023-02-24. Review status: criteria provided, single submitter. Criteria: ACMG Guidelines, 2015. Collection method: clinical testing. Allele origin: germline. Inheritance: Autosomal dominant inheritance. Observed: 1 variant allele, 1 heterozygote.
Comment: This missense variant replaces glutamic acid with glutamine at codon 1196 of the MSH6 protein. Computational prediction suggests that this variant may have deleterious impact on protein structure and function (internally defined REVEL score threshold >= 0.7, PMID: 27666373). To our knowledge, functional studies have not been reported for this variant. This variant has not been reported in individuals affected with MSH6-related disorders in the literature. This variant has been identified in 3/282564 chromosomes in the general population by the Genome Aggregation Database (gnomAD). The available evidence is insufficient to determine the role of this variant in disease conclusively. Therefore, this variant is classified as a Variant of Uncertain Significance.

This study involves interpretation of variants in research participants for the purpose of population health screening. Participant phenotype was not available at the time of variant classification. Additional details can be found in publication PMID: 35346344, PMCID: PMC8962531

Color Diagnostics, LLC DBA Color Health
Classification: Uncertain significance for Hereditary cancer-predisposing syndrome. Last evaluated: 2023-01-18. Review status: criteria provided, single submitter. Criteria: ACMG Guidelines, 2015. Collection method: clinical testing. Allele origin: germline.
Comment: This missense variant replaces glutamic acid with glutamine at codon 1196 of the MSH6 protein. Computational prediction suggests that this variant may have deleterious impact on protein structure and function (internally defined REVEL score threshold >= 0.7, PMID: 27666373). To our knowledge, functional studies have not been reported for this variant. This variant has not been reported in individuals affected with MSH6-related disorders in the literature. This variant has been identified in 3/282564 chromosomes in the general population by the Genome Aggregation Database (gnomAD). The available evidence is insufficient to determine the role of this variant in disease conclusively. Therefore, this variant is classified as a Variant of Uncertain Significance.

Sema4
Classification: Uncertain significance for Hereditary cancer-predisposing syndrome. Last evaluated: 2022-01-30. Review status: criteria provided, single submitter. Criteria: Sema4 Curation Guidelines. Collection method: curation. Allele origin: germline.
Comment: To the best of our knowledge, the MSH6 c.3586G>C (p.E1196Q) variant has not been reported in individuals with MSH6-related disease. It was observed in 3/24930 chromosomes of the African/African American subpopulation in the large and broad cohorts of the Genome Aggregation Database (PMID: 32461654). The variant has been reported in ClinVar (Variation ID: 410511). In silico tools suggest the impact of the variant on protein function is deleterious, though these predictions have not been confirmed by functional studies. The evidence is insufficient to meet ACMG/AMP criteria for classifying the variant as benign or pathogenic. Thus, the clinical significance of this variant is currently uncertain.

Fulgent Genetics
Classification: Uncertain significance for Endometrial carcinoma; Lynch syndrome 5; Mismatch repair cancer syndrome 3. Last evaluated: 2021-08-18. Review status: criteria provided, single submitter. Criteria: ACMG Guidelines, 2015. Collection method: clinical testing. Allele origin: unknown.

Women's Health and Genetics/Laboratory Corporation of America, LabCorp
Classification: Uncertain significance. Last evaluated: 2016-08-01. Review status: criteria provided, single submitter. Criteria: LabCorp Variant Classification Summary - May 2015. Collection method: clinical testing. Allele origin: germline.
Comment: Variant summary: The MSH6 c.3586G>C (p.Glu1196Gln) variant located in the P-loop containing nucleoside triphosphate hydrolase domain (via InterPro) causes a missense change involving a conserved nucleotide with 3/4 in silico tools (SNPs&GO not captured due to low reliability index) predict a damaging outcome, although these predictions have yet to be functionally assessed. The variant of interest was observed in the large, broad control population, ExAC, with an allele frequency of 2/121274 (1/60637), predominantly in the African cohort, 2/10370 (1/5185), which exceeds the estimated maximal expected allele frequency for a pathogenic MSH6 variant of 1/7037 (0.0001421). The variant of interest, to our knowledge, has not been reported in affected individuals via publications and/or reputable databases/clinical laboratories. Therefore, due to the limited available information (ie, lack of clinical and functional studies), the variant of interest has been classified as a "Variant of Uncertain Significance (VUS)," until additional information becomes available.